The following is an entry in ClinVar:

ClinVar aggregate classification (germline): Uncertain significance. Review status: criteria provided, multiple submitters, no conflicts (2 of 4 stars). 2 submissions from 2 submitters: Uncertain significance (2). Last evaluated 2016-08-01.

Conditions:
Polyp of colon. Also called: Colon polyps. Identifiers: MedGen C0009376, MONDO:0021400.

Allele frequency attached by ClinVar (database versions not stated): gnomAD exomes 0.00006 and 0.00008; ExAC 0.00010; gnomAD 0.00018 and 0.00022; TOPMed 0.00019; ESP Exome Variant Server 0.00031; 1000 Genomes Project 30x 0.00125; 1000 Genomes Project 0.00160.
gnomAD v4.1: 137 of 1,613,932 alleles (0.0085%); highest among the groups gnomAD compares: African/African-American, 0.15%; 1 homozygote.

Submissions (2):

CSER _CC_NCGL, University of Washington
Classification: Uncertain significance for Colon polyps. Last evaluated: 2016-08-01. Review status: criteria provided, single submitter. Criteria: Amendola et al. (Genome Res. 2015). Collection method: research. Allele origin: germline. Affected: yes. Study: CSER - NEXT Medicine variant annotation.
Comment: This interpretation considers GERP score and allele frequency data, in addition to published reports of the variant in the literature, available at the time of review.

Breakthrough Genomics
Classification: Uncertain significance. Review status: criteria provided, single submitter. Criteria: ACMG Guidelines, 2015. Collection method: not provided. Allele origin: germline. Inheritance: Unknown mechanism. Affected: yes.

NM_000534.5(PMS1):c.79G>C (p.Glu27Gln)

Gene: PMS1 (PMS1 homolog 1, mismatch repair system component; plus strand). Cytogenetic location: 2q32.2.
Variant type: single nucleotide variant.
Coding change: c.79G>C on transcript NM_000534.5 (MANE Select); coding-DNA position 79, G replaced by C.
Protein change: p.Glu27Gln; replaces glutamic acid 27 with glutamine.
Molecular consequence: missense variant. On other transcripts: 5 prime UTR variant (2), non-coding transcript variant (1).
Genome position (GRCh38, 1-based): chr2:189,791,888, G>C. VCF-style: chr2-189791888-G-C. GRCh37 (hg19) VCF-style: chr2-190656614-G-C.
Other names: c.79G>C, p.Glu27Gln (NM_001128143.2, NM_001128144.2, NM_001321044.2 and 6 more transcripts); c.-347G>C (NM_001289408.2); c.-164G>C (NM_001289409.2); short protein forms E27Q.
Identifiers: ClinVar variation 599334 (VCV000599334.3), dbSNP rs5742973, ClinGen allele CA2026282.
Genomic context (GRCh38, chr2:189,791,888, plus strand): 5'-GCAACAGTTCGACTCCTTTCAAGTTCTCAGATCATCACTTCGGTGGTCAGTGTTGTAAAA[G>C]AGCTTATTGAAAACTCCTTGGATGCTGGTGCCACAAGCGTAGATGTTAAACTGGTGAGTG-3'
Protein context (NP_000525.1, residues 17-37): IITSVVSVVK[Glu27Gln]LIENSLDAGA